The following is an entry in ClinVar:

NM_024642.5(GALNT12):c.336A>C (p.Ser112=)

Gene: GALNT12 (polypeptide N-acetylgalactosaminyltransferase 12; plus strand). Cytogenetic location: 9q22.33.
Variant type: single nucleotide variant.
Coding change: c.336A>C on transcript NM_024642.5 (MANE Select); coding-DNA position 336, A replaced by C.
Protein change: p.Ser112=; no amino-acid change (serine 112 retained).
Molecular consequence: synonymous variant.
Genome position (GRCh38, 1-based): chr9:98,808,034, A>C. VCF-style: chr9-98808034-A-C. GRCh37 (hg19) VCF-style: chr9-101570316-A-C.
Identifiers: ClinVar variation 1730690 (VCV001730690.3), dbSNP rs1305094965, ClinGen allele CA466647633.

ClinVar aggregate classification (germline): Benign/Likely benign. Review status: criteria provided, multiple submitters, no conflicts (2 of 4 stars). 2 submissions from 2 submitters: Benign (1); Likely benign (1). Last evaluated 2026-04-23.

Conditions:
Colorectal cancer, susceptibility to, 1. Also called: COLORECTAL ADENOMA AND CANCER, SUSCEPTIBILITY TO; COLORECTAL CANCER, SUSCEPTIBILITY TO, ON CHROMOSOME 9. Identifiers: MedGen C1837315, MONDO:0012132, OMIM 608812.

Submissions (2):

Myriad Genetics, Inc.
Classification: Benign for Colorectal cancer, susceptibility to, 1. Last evaluated: 2026-04-23. Review status: criteria provided, single submitter. Criteria: Myriad Autosomal Dominant, Autosomal Recessive and X-Linked Classification Criteria (2023). Collection method: clinical testing. Allele origin: unknown.
Comment: This variant is considered benign. This variant is a silent/synonymous amino acid change and it is not expected to impact splicing.

Ambry Genetics
Classification: Likely benign. Last evaluated: 2022-01-18. Review status: criteria provided, single submitter. Criteria: Ambry Variant Classification Scheme 2023. Collection method: clinical testing. Allele origin: germline.